The following is an entry in ClinVar:

NM_003628.6(PKP4):c.701G>T (p.Arg234Met)

Gene: PKP4 (plakophilin 4; plus strand). Cytogenetic location: 2q24.1.
Variant type: single nucleotide variant.
Coding change: c.701G>T on transcript NM_003628.6 (MANE Select); coding-DNA position 701, G replaced by T.
Protein change: p.Arg234Met; replaces arginine 234 with methionine.
Molecular consequence: missense variant. On other transcripts: 5 prime UTR variant (1).
Genome position (GRCh38, 1-based): chr2:158,624,975, G>T. VCF-style: chr2-158624975-G-T. GRCh37 (hg19) VCF-style: chr2-159481487-G-T.
Other names: c.701G>T, p.Arg234Met (NM_001005476.4, NM_001304969.3, NM_001304971.2 and 6 more transcripts); c.-326G>T (NM_001304970.3); c.695G>T, p.Arg232Met (NM_001377222.1, NM_001377223.1, NM_001377224.1); short protein forms R232M, R234M.
Identifiers: ClinVar variation 1756718 (VCV001756718.2), dbSNP rs377445134, ClinGen allele CA1920503.
Genomic context (GRCh38, chr2:158,624,975, plus strand): 5'-CAGTTCCATCTAGAGCACAGTCTCCTTCTTATGTTATCAGCACAGGCGTGTCTCCTTCAA[G>T]GGGGTCTCTGAGAACTTCTCTGGGTAGTGGATTTGGCTCTCCGTCAGTGACCGACCCCCG-3'
Protein context (NP_003619.2, residues 224-244): YVISTGVSPS[Arg234Met]GSLRTSLGSG

ClinVar aggregate classification (germline): Uncertain significance (1 of 4 stars; one submission).

Allele frequency attached by ClinVar (database versions not stated): gnomAD 0.00005; TOPMed 0.00007; ESP Exome Variant Server 0.00008.
gnomAD v4.1: 12 of 1,613,976 alleles (0.00074%); highest among the groups gnomAD compares: African/African-American, 0.013%; no homozygotes.

Submission:

Ambry Genetics
Classification: Uncertain significance. Last evaluated: 2022-03-06. Review status: criteria provided, single submitter. Criteria: Ambry Variant Classification Scheme 2023. Collection method: clinical testing. Allele origin: germline.
Comment: The p.R234M variant (also known as c.701G>T), located in coding exon 6 of the PKP4 gene, results from a G to T substitution at nucleotide position 701. The arginine at codon 234 is replaced by methionine, an amino acid with similar properties. This amino acid position is conserved. In addition, this alteration is predicted to be deleterious by in silico analysis. Since supporting evidence is limited at this time, the clinical significance of this alteration remains unclear.